The following is an entry in ClinVar:

ClinVar aggregate classification (germline): Uncertain significance (1 of 4 stars; one submission).

Allele frequency attached by ClinVar (database versions not stated): gnomAD exomes below 0.00001; ExAC 0.00001; TOPMed 0.00001.
gnomAD v4.1: 3 of 1,613,986 alleles (0.00019%); highest among the groups gnomAD compares: Admixed American, 0.0017%; no homozygotes.

Submission:

Labcorp Genetics (formerly Invitae), Labcorp
Classification: Uncertain significance. Last evaluated: 2024-01-24. Review status: criteria provided, single submitter. Criteria: Invitae Variant Classification Sherloc (09022015). Collection method: clinical testing. Allele origin: germline.
Comment: This sequence change replaces proline, which is neutral and non-polar, with histidine, which is basic and polar, at codon 787 of the LAMB1 protein (p.Pro787His). This variant is present in population databases (rs759333493, gnomAD 0.003%). This variant has not been reported in the literature in individuals affected with LAMB1-related conditions. ClinVar contains an entry for this variant (Variation ID: 1976186). An algorithm developed to predict the effect of missense changes on protein structure and function (PolyPhen-2) suggests that this variant is likely to be disruptive. In summary, the available evidence is currently insufficient to determine the role of this variant in disease. Therefore, it has been classified as a Variant of Uncertain Significance.

NM_002291.3(LAMB1):c.2360C>A (p.Pro787His)

Gene: LAMB1 (laminin subunit beta 1; minus strand). Cytogenetic location: 7q31.1.
Variant type: single nucleotide variant.
Coding change: c.2360C>A on transcript NM_002291.3 (MANE Select); coding-DNA position 2360, C replaced by A.
Protein change: p.Pro787His; replaces proline 787 with histidine.
Molecular consequence: missense variant.
Genome position (GRCh38, 1-based): chr7:107,959,789, G>T on the plus strand (C>A on the coding strand, the complement: LAMB1 is on the minus strand). VCF-style: chr7-107959789-G-T. GRCh37 (hg19) VCF-style: chr7-107600234-G-T.
Other names: short protein forms P787H.
Identifiers: ClinVar variation 1976186 (VCV001976186.5), dbSNP rs759333493, ClinGen allele CA4435665.